The following is an entry in ClinVar:

ClinVar aggregate classification (germline): Uncertain significance (1 of 4 stars; one submission).

Conditions:
RNF213-related disorder. Also called: RNF213-related condition.

Allele frequency attached by ClinVar (database versions not stated): TOPMed below 0.00001; gnomAD 0.00001; ExAC 0.00002; ESP Exome Variant Server 0.00008.
gnomAD v4.1: 37 of 1,613,418 alleles (0.0023%); highest among the groups gnomAD compares: South Asian, 0.011%; no homozygotes.

Submission:

PreventionGenetics, part of Exact Sciences
Classification: Uncertain significance for RNF213-related condition. Last evaluated: 2022-09-28. Review status: criteria provided, single submitter. Criteria: ACMG Guidelines, 2015. Collection method: clinical testing. Allele origin: germline.
Comment: The RNF213 c.10463C>T variant is predicted to result in the amino acid substitution p.Ala3488Val. To our knowledge, this variant has not been reported in the literature. This variant is reported in 0.012% of alleles in individuals of African descent in gnomAD. At this time, the clinical significance of this variant is uncertain due to the absence of conclusive functional and genetic evidence.

NM_001256071.3(RNF213):c.10463C>T (p.Ala3488Val)

Genes: RNF213 (ring finger protein 213; plus strand), RNF213-AS1 (RNF213 antisense RNA 1; minus strand). Cytogenetic location: 17q25.3.
Variant type: single nucleotide variant.
Coding change: c.10463C>T on transcript NM_001256071.3 (MANE Select); coding-DNA position 10463, C replaced by T.
Protein change: p.Ala3488Val; replaces alanine 3488 with valine.
Molecular consequence: missense variant. On other transcripts: non-coding transcript variant (1).
Genome position (GRCh38, 1-based): chr17:80,353,551, C>T. VCF-style: chr17-80353551-C-T. GRCh37 (hg19) VCF-style: chr17-78327351-C-T.
Other names: c.10610C>T, p.Ala3537Val (NM_001410195.1, NM_020914.5); short protein forms A3488V, A3537V.
Identifiers: ClinVar variation 2636017 (VCV002636017.1), dbSNP rs369786853, ClinGen allele CA8821456.
Genomic context (GRCh38, chr17:80,353,551, plus strand): 5'-TCACGTTTGCTTCGACTGCAGTGGGCTTGGAACACCGGGCGGAAGACGGCCATGAGGAGG[C>T]GATGGAGACGGAGGCCAGCACATCAGGGGAGGTGGCAGAGGTGGCAGAGGAGGCCATGGA-3'
Protein context (NP_001243000.2, residues 3478-3498): EHRAEDGHEE[Ala3488Val]METEASTSGE